The following is an entry in ClinVar:

NM_001089.3(ABCA3):c.122G>A (p.Trp41Ter)

Gene: ABCA3 (ATP binding cassette subfamily A member 3; minus strand). Cytogenetic location: 16p13.3.
Variant type: single nucleotide variant.
Coding change: c.122G>A on transcript NM_001089.3 (MANE Select); coding-DNA position 122, G replaced by A.
Protein change: p.Trp41Ter; replaces tryptophan 41 with a stop codon.
Molecular consequence: nonsense.
Genome position (GRCh38, 1-based): chr16:2,326,207, C>T on the plus strand (G>A on the coding strand, the complement: ABCA3 is on the minus strand). VCF-style: chr16-2326207-C-T. GRCh37 (hg19) VCF-style: chr16-2376208-C-T.
Other names: short protein forms W41*.
Identifiers: ClinVar variation 5014592 (VCV005014592.1).
Genomic context (GRCh38, chr16:2,326,207, plus strand): 5'-GACTGGCCCGGGTAGATGGTGGCGTTGGGCACATTTTCCGACTGAATCTTCAAGCGGAGC[C>T]AGATGAGGATCCCAGAAAACAGCAATGGCAGGAAGAGTTCCAGGACCGTCACCAGGACCT-3'

ClinVar aggregate classification (germline): Pathogenic (1 of 4 stars; one submission).

Conditions:
Interstitial lung disease due to ABCA3 deficiency. Also called: PULMONARY ALVEOLAR PROTEINOSIS, CONGENITAL, 3. Identifiers: Orphanet 440402, MedGen C1970456, MONDO:0012582, OMIM 610921.

Submission:

Myriad Genetics, Inc.
Classification: Pathogenic for Interstitial lung disease due to ABCA3 deficiency. Last evaluated: 2025-06-14. Review status: criteria provided, single submitter. Criteria: Myriad Autosomal Dominant, Autosomal Recessive and X-Linked Classification Criteria (2023). Collection method: clinical testing. Allele origin: unknown.
Comment: NM_001089.2(ABCA3):c.122G>A(W41*) is expected to be pathogenic in the context of surfactant deficiency, ABCA3-related. This variant is predicted to lead to an abnormal or absent protein product due to the creation of a premature termination codon in ABCA3, a gene where loss-of-function variants are known to be pathogenic. Please note: this variant was assessed in the context of healthy population screening.